The following is an entry in ClinVar:

ClinVar aggregate classification (germline): Likely pathogenic (1 of 4 stars; one submission).

gnomAD v4.1: 1 of 1,550,790 alleles (0.000064%); highest among the groups gnomAD compares: Non-Finnish European, 0.000087%; no homozygotes.

Submission:

Labcorp Genetics (formerly Invitae), Labcorp
Classification: Likely pathogenic. Last evaluated: 2025-08-06. Review status: criteria provided, single submitter. Criteria: Invitae Variant Classification Sherloc (09022015). Collection method: clinical testing. Allele origin: germline.
Comment: This sequence change replaces tryptophan, which is neutral and slightly polar, with arginine, which is basic and polar, at codon 24 of the CPLANE1 protein (p.Trp24Arg). This variant is not present in population databases (gnomAD no frequency). This missense change has been observed in individual(s) with Joubert syndrome (PMID: 34592808). Invitae Evidence Modeling of protein sequence and biophysical properties (such as structural, functional, and spatial information, amino acid conservation, physicochemical variation, residue mobility, and thermodynamic stability) indicates that this missense variant is expected to disrupt CPLANE1 protein function with a positive predictive value of 95%. In summary, the currently available evidence indicates that the variant is pathogenic, but additional data are needed to prove that conclusively. Therefore, this variant has been classified as Likely Pathogenic.

Literature cited by the submitters: PubMed 34592808.

NM_001384732.1(CPLANE1):c.70T>A (p.Trp24Arg)

Gene: CPLANE1 (ciliogenesis and planar polarity effector complex subunit 1; minus strand). Cytogenetic location: 5p13.2.
Variant type: single nucleotide variant.
Coding change: c.70T>A on transcript NM_001384732.1 (MANE Select); coding-DNA position 70, T replaced by A.
Protein change: p.Trp24Arg; replaces tryptophan 24 with arginine.
Molecular consequence: missense variant.
Genome position (GRCh38, 1-based): chr5:37,247,629, A>T on the plus strand (T>A on the coding strand, the complement: CPLANE1 is on the minus strand). VCF-style: chr5-37247629-A-T. GRCh37 (hg19) VCF-style: chr5-37247731-A-T.
Other names: c.70T>A, p.Trp24Arg (NM_023073.4); short protein forms W24R.
Identifiers: ClinVar variation 4801425 (VCV004801425.1).